The following is an entry in ClinVar:

NM_152703.5(SAMD9L):c.1584A>G (p.Leu528=)

Gene: SAMD9L (sterile alpha motif domain containing 9 like; minus strand). Cytogenetic location: 7q21.2.
Variant type: single nucleotide variant.
Coding change: c.1584A>G on transcript NM_152703.5 (MANE Select); coding-DNA position 1584, A replaced by G.
Protein change: p.Leu528=; no amino-acid change (leucine 528 retained).
Molecular consequence: synonymous variant.
Genome position (GRCh38, 1-based): chr7:93,134,388, T>C on the plus strand (A>G on the coding strand, the complement: SAMD9L is on the minus strand). VCF-style: chr7-93134388-T-C. GRCh37 (hg19) VCF-style: chr7-92763701-T-C.
Other names: c.1584A>G, p.Leu528= (NM_001303496.3, NM_001303497.3, NM_001303498.3 and 5 more transcripts); c.1584A>G (NM_152703.2).
Identifiers: ClinVar variation 1530015 (VCV001530015.11), dbSNP rs564887315, ClinGen allele CA4343707.

ClinVar aggregate classification (germline): Benign/Likely benign. Review status: criteria provided, multiple submitters, no conflicts (2 of 4 stars). 4 submissions from 4 submitters: Benign (1); Likely benign (3). Last evaluated 2025-12-23.

Conditions:
Inborn genetic diseases. Identifiers: MedGen C0950123, MeSH D030342.

Allele frequency attached by ClinVar (database versions not stated): TOPMed 0.00001; gnomAD 0.00021; gnomAD exomes 0.00034 and 0.00073; ExAC 0.00087; 1000 Genomes Project 0.00240; 1000 Genomes Project 30x 0.00265.

Submissions (4):

Labcorp Genetics (formerly Invitae), Labcorp
Classification: Benign. Last evaluated: 2025-12-23. Review status: criteria provided, single submitter. Criteria: Invitae Variant Classification Sherloc (09022015). Collection method: clinical testing. Allele origin: germline.

Ambry Genetics
Classification: Likely benign for Inborn genetic diseases. Last evaluated: 2024-11-20. Review status: criteria provided, single submitter. Criteria: Ambry Variant Classification Scheme 2023. Collection method: clinical testing. Allele origin: germline.

Blueprint Genetics
Classification: Likely benign. Last evaluated: 2024-09-02. Review status: criteria provided, single submitter. Criteria: ACMG Guidelines, 2015. Collection method: clinical testing. Allele origin: germline.

GeneDx
Classification: Likely benign. Last evaluated: 2021-03-18. Review status: criteria provided, single submitter. Criteria: GeneDx Variant Classification Process June 2021. Collection method: clinical testing. Allele origin: germline. Affected: yes.
Comment: See Variant Classification Assertion Criteria.